The following is an entry in ClinVar:

ClinVar aggregate classification (germline): Likely benign (0 of 4 stars; one submission).

Conditions:
THADA-related disorder. Also called: THADA-related condition.

Allele frequency attached by ClinVar (database versions not stated): ESP Exome Variant Server 0.00016; TOPMed 0.00028; gnomAD 0.00035; 1000 Genomes Project 0.00100; 1000 Genomes Project 30x 0.00109; ExAC 0.00114.

Submission:

PreventionGenetics, part of Exact Sciences
Classification: Likely benign for THADA-related condition. Last evaluated: 2019-08-06. Review status: no assertion criteria provided. Collection method: clinical testing. Allele origin: germline.
Comment: This variant is classified as likely benign based on ACMG/AMP sequence variant interpretation guidelines (Richards et al. 2015 PMID: 25741868, with internal and published modifications).

NM_022065.5(THADA):c.4885C>T (p.Leu1629=)

Gene: THADA (THADA armadillo repeat containing; minus strand). Cytogenetic location: 2p21.
Variant type: single nucleotide variant.
Coding change: c.4885C>T on transcript NM_022065.5 (MANE Select); coding-DNA position 4885, C replaced by T.
Protein change: p.Leu1629=; no amino-acid change (leucine 1629 retained).
Molecular consequence: synonymous variant. On other transcripts: non-coding transcript variant (2).
Genome position (GRCh38, 1-based): chr2:43,292,156, G>A on the plus strand (C>T on the coding strand, the complement: THADA is on the minus strand). VCF-style: chr2-43292156-G-A. GRCh37 (hg19) VCF-style: chr2-43519295-G-A.
Other names: c.4885C>T, p.Leu1629= (NM_001083953.2, NM_001345925.2); c.4882C>T, p.Leu1628= (NM_001345923.2); c.4762C>T, p.Leu1588= (NM_001345924.2); c.*956C>T (NM_198554.1).
Identifiers: ClinVar variation 3034856 (VCV003034856.2), dbSNP rs34600960, ClinGen allele CA1632075.